The following is an entry in ClinVar:

NM_006659.4(TUBGCP2):c.1896-9C>T

Gene: TUBGCP2 (tubulin gamma complex component 2; minus strand). Cytogenetic location: 10q26.3.
Variant type: single nucleotide variant.
Coding change: c.1896-9C>T on transcript NM_006659.4 (MANE Select); 9 bases into the intron before coding-DNA position 1896, C replaced by T.
Molecular consequence: intron variant.
Genome position (GRCh38, 1-based): chr10:133,285,222, G>A on the plus strand (C>T on the coding strand, the complement: TUBGCP2 is on the minus strand). VCF-style: chr10-133285222-G-A. GRCh37 (hg19) VCF-style: chr10-135098726-G-A.
Other names: c.1506-9C>T (NM_001256618.2); c.1980-9C>T (NM_001256617.2).
Identifiers: ClinVar variation 3053030 (VCV003053030.20), dbSNP rs369104689, ClinGen allele CA5763753.

ClinVar aggregate classification (germline): Likely benign. Review status: criteria provided, multiple submitters, no conflicts (2 of 4 stars). 3 submissions from 3 submitters: Likely benign (2). 1 of the submissions does not count toward it. Last evaluated 2024-11-14.

Conditions:
TUBGCP2-related disorder. Also called: TUBGCP2-related condition.

Allele frequency attached by ClinVar (database versions not stated): gnomAD exomes 0.00022; ExAC 0.00034; gnomAD 0.00049; TOPMed 0.00062; ESP Exome Variant Server 0.00069; 1000 Genomes Project 0.00080; 1000 Genomes Project 30x 0.00094.
gnomAD v4.1: 418 of 1,611,346 alleles (0.026%); highest among the groups gnomAD compares: Middle Eastern, 0.18%; 2 homozygotes.

Submissions (3):

Blueprint Genetics
Classification: Likely benign. Last evaluated: 2024-11-14. Review status: criteria provided, single submitter. Criteria: ACMG Guidelines, 2015. Collection method: clinical testing. Allele origin: germline.

CeGaT Center for Human Genetics Tuebingen
Classification: Likely benign. Last evaluated: 2024-11-01. Review status: criteria provided, single submitter. Criteria: CeGaT Center For Human Genetics Tuebingen Variant Classification Criteria Version 2. Collection method: clinical testing. Allele origin: germline. Affected: yes. Observed: 2 variant alleles.
Comment: TUBGCP2: BP4, BP7

PreventionGenetics, part of Exact Sciences
Classification: Likely benign for TUBGCP2-related condition. Last evaluated: 2022-12-21. Review status: no assertion criteria provided. Collection method: clinical testing. Allele origin: germline. Not counted in ClinVar's aggregate classification.
Comment: This variant is classified as likely benign based on ACMG/AMP sequence variant interpretation guidelines (Richards et al. 2015 PMID: 25741868, with internal and published modifications).